The following is an entry in ClinVar:

NM_015294.6(TRIM37):c.684+16A>G

Gene: TRIM37 (tripartite motif containing 37; minus strand). Cytogenetic location: 17q22.
Variant type: single nucleotide variant.
Coding change: c.684+16A>G on transcript NM_015294.6 (MANE Select); 16 bases into the intron after coding-DNA position 684, A replaced by G.
Molecular consequence: intron variant. On other transcripts: 5 prime UTR variant (1).
Genome position (GRCh38, 1-based): chr17:59,075,631, T>C on the plus strand (A>G on the coding strand, the complement: TRIM37 is on the minus strand). VCF-style: chr17-59075631-T-C. GRCh37 (hg19) VCF-style: chr17-57152992-T-C.
Other names: c.-53A>G (NM_001353083.2); c.684+16A>G (NM_001320989.3, NM_001005207.5, NM_001353086.2 and 2 more transcripts); c.222+16A>G (NM_001353085.2); c.582+16A>G (NM_001320987.3, NM_001353082.2); c.318+16A>G (NM_001320990.3).
Identifiers: ClinVar variation 2013303 (VCV002013303.4), dbSNP rs2546026204, ClinGen allele CA2580094335.

ClinVar aggregate classification (germline): Uncertain significance (1 of 4 stars; one submission).

Submission:

Labcorp Genetics (formerly Invitae), Labcorp
Classification: Uncertain significance. Last evaluated: 2022-10-04. Review status: criteria provided, single submitter. Criteria: Invitae Variant Classification Sherloc (09022015). Collection method: clinical testing. Allele origin: germline.
Comment: Algorithms developed to predict the effect of sequence changes on RNA splicing suggest that this variant may disrupt the consensus splice site. This variant has not been reported in the literature in individuals affected with TRIM37-related conditions. This variant is not present in population databases (gnomAD no frequency). This sequence change falls in intron 8 of the TRIM37 gene. It does not directly change the encoded amino acid sequence of the TRIM37 protein. In summary, the available evidence is currently insufficient to determine the role of this variant in disease. Therefore, it has been classified as a Variant of Uncertain Significance.